The following is an entry in ClinVar:

ClinVar aggregate classification (germline): Likely benign (1 of 4 stars; one submission).

Allele frequency attached by ClinVar (database versions not stated): gnomAD 0.00002; TOPMed 0.00002; ExAC 0.00003.
gnomAD v4.1: 132 of 1,613,946 alleles (0.0082%); highest among the groups gnomAD compares: Non-Finnish European, 0.011%; no homozygotes.

Submission:

CeGaT Center for Human Genetics Tuebingen
Classification: Likely benign. Last evaluated: 2022-10-01. Review status: criteria provided, single submitter. Criteria: CeGaT Center For Human Genetics Tuebingen Variant Classification Criteria Version 2. Collection method: clinical testing. Allele origin: germline. Affected: yes. Observed: 1 variant allele.
Comment: SETD2: BP4, BP7

NM_014159.7(SETD2):c.3441G>A (p.Gln1147=)

Gene: SETD2 (SET domain containing 2, histone lysine methyltransferase; minus strand). Cytogenetic location: 3p21.31.
Variant type: single nucleotide variant.
Coding change: c.3441G>A on transcript NM_014159.7 (MANE Select); coding-DNA position 3441, G replaced by A.
Protein change: p.Gln1147=; no amino-acid change (glutamine 1147 retained).
Molecular consequence: synonymous variant. On other transcripts: non-coding transcript variant (1).
Genome position (GRCh38, 1-based): chr3:47,121,195, C>T on the plus strand (G>A on the coding strand, the complement: SETD2 is on the minus strand). VCF-style: chr3-47121195-C-T. GRCh37 (hg19) VCF-style: chr3-47162685-C-T.
Other names: c.3309G>A, p.Gln1103= (NM_001349370.3).
Identifiers: ClinVar variation 1879579 (VCV001879579.29), dbSNP rs201617976, ClinGen allele CA2363383.